The following is an entry in ClinVar:

NM_001080517.3(SETD5):c.787A>T (p.Thr263Ser)

Gene: SETD5 (SET domain containing 5; plus strand). Cytogenetic location: 3p25.3.
Variant type: single nucleotide variant.
Coding change: c.787A>T on transcript NM_001080517.3 (MANE Select); coding-DNA position 787, A replaced by T.
Protein change: p.Thr263Ser; replaces threonine 263 with serine.
Molecular consequence: missense variant.
Genome position (GRCh38, 1-based): chr3:9,440,675, A>T. VCF-style: chr3-9440675-A-T. GRCh37 (hg19) VCF-style: chr3-9482359-A-T.
Other names: c.493A>T, p.Thr165Ser (NM_001292043.2, NM_001349451.2); short protein forms T165S, T263S.
Identifiers: ClinVar variation 3764577 (VCV003764577.1).

ClinVar aggregate classification (germline): Pathogenic (1 of 4 stars; one submission).

Conditions:
Intellectual disability-facial dysmorphism syndrome due to SETD5 haploinsufficiency (MRD23). Also called: Intellectual developmental disorder, autosomal dominant 23. Identifiers: Orphanet 404440, MedGen C3810406, MONDO:0014336, OMIM 615761.

Submission:

Daryl Scott Lab, Baylor College of Medicine
Classification: Pathogenic for Intellectual disability-facial dysmorphism syndrome due to SETD5 haploinsufficiency. Last evaluated: 2024-01-01. Review status: criteria provided, single submitter. Criteria: ACMG Guidelines, 2015. Collection method: clinical testing. Allele origin: unknown. Affected: yes. Observed: 1 heterozygote.
Comment: PVS1, PM2